The following is an entry in ClinVar:

NM_001371596.2(MFSD8):c.553G>C (p.Val185Leu)

Gene: MFSD8 (major facilitator superfamily domain containing 8; minus strand). Cytogenetic location: 4q28.2.
Variant type: single nucleotide variant.
Coding change: c.553G>C on transcript NM_001371596.2 (MANE Select); coding-DNA position 553, G replaced by C.
Protein change: p.Val185Leu; replaces valine 185 with leucine.
Molecular consequence: missense variant. On other transcripts: intron variant (4).
Genome position (GRCh38, 1-based): chr4:127,942,045, C>G on the plus strand (G>C on the coding strand, the complement: MFSD8 is on the minus strand). VCF-style: chr4-127942045-C-G. GRCh37 (hg19) VCF-style: chr4-128863200-C-G.
Other names: c.553G>C, p.Ala185Pro (NM_001363520.3); c.418G>C, p.Val140Leu (NM_001371590.2); c.553G>C, p.Val185Leu (NM_001371591.2, NM_152778.4); c.553G>C, p.Gly185Arg (NM_001371592.2); c.553G>C, p.Glu185Gln (NM_001371594.2); c.418G>C, p.Glu140Gln (NM_001371595.1); c.304+1707G>C (NM_001410765.1); c.439+1707G>C (NM_001363521.3, NM_001410766.1, NM_001371593.2); short protein forms E140Q, V140L, E185Q, G185R, A185P, V185L.
Identifiers: ClinVar variation 967674 (VCV000967674.5), dbSNP rs1740277571, ClinGen allele CA358175984.

ClinVar aggregate classification (germline): Uncertain significance (1 of 4 stars; one submission).

Conditions:
Neuronal ceroid lipofuscinosis 7 (CLN7). Also called: MFSD8-Related Neuronal Ceroid-Lipofuscinosis. Identifiers: Orphanet 168491, Orphanet 228366, MedGen C1838571, MONDO:0012588, OMIM 610951.

Submission:

Labcorp Genetics (formerly Invitae), Labcorp
Classification: Uncertain significance for Neuronal ceroid lipofuscinosis 7. Last evaluated: 2021-08-27. Review status: criteria provided, single submitter. Criteria: Invitae Variant Classification Sherloc (09022015). Collection method: clinical testing. Allele origin: germline.
Comment: This sequence change replaces valine with leucine at codon 185 of the MFSD8 protein (p.Val185Leu). The valine residue is moderately conserved and there is a small physicochemical difference between valine and leucine. This variant also falls at the last nucleotide of exon 6, which is part of the consensus splice site for this exon. This variant is not present in population databases (ExAC no frequency). This variant has not been reported in the literature in individuals affected with MFSD8-related conditions. Algorithms developed to predict the effect of missense changes on protein structure and function (SIFT, PolyPhen-2, Align-GVGD) all suggest that this variant is likely to be tolerated. Variants that disrupt the consensus splice site are a relatively common cause of aberrant splicing (PMID: 17576681, 9536098). Algorithms developed to predict the effect of sequence changes on RNA splicing suggest that this variant may disrupt the consensus splice site. In summary, the available evidence is currently insufficient to determine the role of this variant in disease. Therefore, it has been classified as a Variant of Uncertain Significance.

Literature cited by the submitters: PubMed 17576681; PubMed 9536098.